The following is an entry in ClinVar:

NM_000141.5(FGFR2):c.1694A>C (p.Glu565Ala)

Gene: FGFR2 (fibroblast growth factor receptor 2; minus strand). Cytogenetic location: 10q26.13.
Variant type: single nucleotide variant.
Coding change: c.1694A>C on transcript NM_000141.5 (MANE Select); coding-DNA position 1694, A replaced by C.
Protein change: p.Glu565Ala; replaces glutamic acid 565 with alanine.
Molecular consequence: missense variant. On other transcripts: non-coding transcript variant (1).
Genome position (GRCh38, 1-based): chr10:121,496,701, T>G on the plus strand (A>C on the coding strand, the complement: FGFR2 is on the minus strand). VCF-style: chr10-121496701-T-G. GRCh37 (hg19) VCF-style: chr10-123256215-T-G.
Other names: c.1697A>C, p.Glu566Ala (NM_001144913.1, NM_022970.4); c.1358A>C, p.Glu453Ala (NM_001144914.1); c.1427A>C, p.Glu476Ala (NM_001144915.2, NM_023029.3); c.1349A>C, p.Glu450Ala (NM_001144916.2); c.1346A>C, p.Glu449Ala (NM_001144917.2); c.1343A>C, p.Glu448Ala (NM_001144918.2); c.1430A>C, p.Glu477Ala (NM_001144919.2); c.1010A>C, p.Glu337Ala (NM_001320654.2); and 1 more; short protein forms E565A, E566A, E337A, E448A, E477A, E563A, E449A, E450A.
Identifiers: ClinVar variation 13294 (VCV000013294.14), dbSNP rs121918506, ClinGen allele CA280192.

ClinVar aggregate classification (germline): Pathogenic/Likely pathogenic. Review status: criteria provided, multiple submitters, no conflicts (2 of 4 stars). 8 submissions from 8 submitters: Pathogenic (4); Likely pathogenic (1). 3 of the submissions do not count toward it. Last evaluated 2025-01-21.

Conditions:
FGFR2-related disorder. Identifiers: MedGen CN380096.
Pfeiffer syndrome (ACS5). Also called: ACS V. Identifiers: Orphanet 710, MedGen C0220658, MONDO:0007043, OMIM 101600.
FGFR2-related craniosynostosis. Identifiers: MedGen CN231480.

Submissions (8):

GeneDx
Classification: Pathogenic. Last evaluated: 2025-01-21. Review status: criteria provided, single submitter. Criteria: GeneDx Variant Classification Process June 2021. Collection method: clinical testing. Allele origin: germline.
Comment: Not observed at significant frequency in large population cohorts (gnomAD); In silico analysis supports that this missense variant has a deleterious effect on protein structure/function; This variant is associated with the following publications: (PMID: 18541976, 17803937, 15523615, 37938362, 34671977, 31911531, 34250419, 33218975, 24127277, 33731768, 33502061, 11781872, 32139749)

3billion
Classification: Pathogenic for Pfeiffer syndrome. Last evaluated: 2022-05-22. Review status: criteria provided, single submitter. Criteria: ACMG Guidelines, 2015. Collection method: clinical testing. Allele origin: germline. Affected: yes. Observed: 1 heterozygote.
Comment: The variant is not observed in the gnomAD v2.1.1 dataset. Missense changes are a common disease-causing mechanism. In silico tool predictions suggest damaging effect of the variant on gene or gene product (REVEL: 0.96; 3Cnet: 0.99). Same nucleotide change resulting in same amino acid change has been previously reported as pathogenic/likely pathogenic with strong evidence (ClinVar ID: VCV000013294). A different missense change at the same codon (p.Glu565Gly) has been reported as pathogenic/likely pathogenic with strong evidence (ClinVar ID: VCV000374823). Therefore, this variant is classified as pathogenic according to the recommendation of ACMG/AMP guideline.

Labcorp Genetics (formerly Invitae), Labcorp
Classification: Pathogenic for FGFR2-related craniosynostosis. Last evaluated: 2021-11-15. Review status: criteria provided, single submitter. Criteria: Invitae Variant Classification Sherloc (09022015). Collection method: clinical testing. Allele origin: germline.
Comment: Algorithms developed to predict the effect of missense changes on protein structure and function (SIFT, PolyPhen-2, Align-GVGD) all suggest that this variant is likely to be disruptive. This sequence change replaces glutamic acid, which is acidic and polar, with alanine, which is neutral and non-polar, at codon 565 of the FGFR2 protein (p.Glu565Ala). This variant is not present in population databases (gnomAD no frequency). This missense change has been observed in individual(s) with FGFR2-related conditions (PMID: 15523615, 18541976, 24127277). In at least one individual the variant was observed to be de novo. ClinVar contains an entry for this variant (Variation ID: 13294). For these reasons, this variant has been classified as Pathogenic.

Blueprint Genetics
Classification: Pathogenic for FGFR2-related disorders. Last evaluated: 2019-08-28. Review status: criteria provided, single submitter. Criteria: ACMG Guidelines, 2015. Collection method: clinical testing. Allele origin: germline. Affected: yes. Observed: 1 variant allele.

Genomic Diagnostic Laboratory, Division of Genomic Diagnostics, Children's Hospital of Philadelphia
Classification: Likely pathogenic for Pfeiffer syndrome. Last evaluated: 2016-09-17. Review status: criteria provided, single submitter. Criteria: DGD Variant Analysis Guidelines. Collection method: clinical testing. Allele origin: germline. Affected: yes. Observed: 1 variant allele.
Comment: Clinical Testing

PreventionGenetics, part of Exact Sciences
Classification: Pathogenic for FGFR2-related condition. Last evaluated: 2024-01-18. Review status: no assertion criteria provided. Collection method: clinical testing. Allele origin: germline. Not counted in ClinVar's aggregate classification.
Comment: The FGFR2 c.1694A>C variant is predicted to result in the amino acid substitution p.Glu565Ala. This variant has been reported in individuals with Pfeiffer syndrome (arisen de novo, Zankl et al. 2004. PubMed ID: 15523615; Freeman et al. 2008. PubMed ID: 18541976; Table S2, Wang et al. 2021. PubMed ID: 33502061) as well as an individual with Crouzon syndrome (Roscioli et al. 2013. PubMed ID: 24127277). In vitro functional studies demonstrate that expression of this variant results in a gain of function by constitutively activating the kinase activity of FGFR2 (Chen et al. 2007. PubMed ID: 17803937). This variant has not been reported in a large population database, indicating this variant is rare. This variant has been reported by several laboratories as pathogenic/likely pathogenic in the ClinVar database. Additionally, a different missense change impacting the same amino acid (p.Glu565Gly) has been reported to segregate with disease in a family with Pfeiffer syndrome (Kan et al. 2002. PubMed ID: 11781872), supporting the evidence that this amino acid may be important for FGFR2 function. Taken together, the p.Glu565Ala variant is interpreted as pathogenic.

Bioscientia Institut fuer Medizinische Diagnostik GmbH, Sonic Healthcare
Classification: Pathogenic for Pfeiffer syndrome. Last evaluated: 2020-06-16. Review status: no assertion criteria provided. Collection method: clinical testing. Allele origin: germline. Affected: yes. Not counted in ClinVar's aggregate classification.

OMIM
Classification: Pathogenic for PFEIFFER SYNDROME. Last evaluated: 2004-12-15. Review status: no assertion criteria provided. Collection method: literature only. Allele origin: germline. Not counted in ClinVar's aggregate classification.

Literature cited by the submitters: PubMed 15523615 (cited by Labcorp Genetics (formerly Invitae), Labcorp and OMIM); PubMed 18541976 (cited by Labcorp Genetics (formerly Invitae), Labcorp); PubMed 24127277 (cited by Labcorp Genetics (formerly Invitae), Labcorp).